The following is an entry in ClinVar:

NM_052947.4(ALPK2):c.2173A>G (p.Arg725Gly)

Gene: ALPK2 (alpha kinase 2; minus strand). Cytogenetic location: 18q21.31.
Variant type: single nucleotide variant.
Coding change: c.2173A>G on transcript NM_052947.4 (MANE Select); coding-DNA position 2173, A replaced by G.
Protein change: p.Arg725Gly; replaces arginine 725 with glycine.
Molecular consequence: missense variant.
Genome position (GRCh38, 1-based): chr18:58,538,014, T>C on the plus strand (A>G on the coding strand, the complement: ALPK2 is on the minus strand). VCF-style: chr18-58538014-T-C. GRCh37 (hg19) VCF-style: chr18-56205246-T-C.
Other names: short protein forms R725G.
Identifiers: ClinVar variation 3290728 (VCV003290728.1).

ClinVar aggregate classification (germline): Uncertain significance (1 of 4 stars; one submission).

Submission:

Ambry Genetics
Classification: Uncertain significance. Last evaluated: 2024-06-10. Review status: criteria provided, single submitter. Criteria: Ambry Variant Classification Scheme 2023. Collection method: clinical testing. Allele origin: germline.
Comment: The p.R725G variant (also known as c.2173A>G), located in coding exon 4 of the ALPK2 gene, results from an A to G substitution at nucleotide position 2173. The arginine at codon 725 is replaced by glycine, an amino acid with dissimilar properties. This amino acid position is conserved. In addition, this alteration is predicted to be tolerated by in silico analysis. Based on the available evidence, the clinical significance of this variant remains unclear.